The following is an entry in ClinVar:

ClinVar aggregate classification (germline): Benign. Review status: criteria provided, single submitter (1 of 4 stars). 2 submissions from 2 submitters: Benign (1). 1 of the submissions does not count toward it. Last evaluated 2025-11-24.

Conditions:
PSMA3-related disorder. Also called: PSMA3-related condition.

Allele frequency attached by ClinVar (database versions not stated): gnomAD exomes 0.00007 and 0.00023; gnomAD 0.00011 and 0.00015; TOPMed 0.00019; ExAC 0.00020; 1000 Genomes Project 0.00060; 1000 Genomes Project 30x 0.00094.
gnomAD v4.1: 130 of 1,613,128 alleles (0.0081%); highest among the groups gnomAD compares: East Asian, 0.24%; no homozygotes.

Submissions (4):

Labcorp Genetics (formerly Invitae), Labcorp
Classification: Benign. Last evaluated: 2025-11-24. Review status: criteria provided, single submitter. Criteria: Invitae Variant Classification Sherloc (09022015). Collection method: clinical testing. Allele origin: germline.

PreventionGenetics, part of Exact Sciences
Classification: Likely benign for PSMA3-related condition. Last evaluated: 2020-06-10. Review status: no assertion criteria provided. Collection method: clinical testing. Allele origin: germline. Not counted in ClinVar's aggregate classification.
Comment: This variant is classified as likely benign based on ACMG/AMP sequence variant interpretation guidelines (Richards et al. 2015 PMID: 25741868, with internal and published modifications).

Dr. Peter K. Rogan Lab, Western University
No classification provided (evidence only). Condition: Gastric cancer. Review status: no classification provided. Collection method: in vitro. Allele origin: not applicable. Functional consequence: retained intron. Not counted in ClinVar's aggregate classification.

Dr. Peter K. Rogan Lab, Western University
No classification provided (evidence only). Condition: Gastric cancer. Review status: no classification provided. Collection method: in vitro. Allele origin: not applicable. Functional consequence: retained intron. Not counted in ClinVar's aggregate classification.

NM_002788.4(PSMA3):c.591-7A>G

Genes: PSMA3-AS1 (PSMA3 antisense RNA 1; minus strand), PSMA3 (proteasome 20S subunit alpha 3; plus strand). Cytogenetic location: 14q23.1.
Variant type: single nucleotide variant.
Coding change: c.591-7A>G on transcript NM_002788.4 (MANE Select); 7 bases into the intron before coding-DNA position 591, A replaced by G.
Molecular consequence: intron variant.
Genome position (GRCh38, 1-based): chr14:58,270,411, A>G. VCF-style: chr14-58270411-A-G. GRCh37 (hg19) VCF-style: chr14-58737129-A-G.
Other names: c.570-7A>G (NM_152132.3); c.591-7A>G (NM_002788.3).
Identifiers: ClinVar variation 1564311 (VCV001564311.11), dbSNP rs202104186, ClinGen allele CA7203869.
Genomic context (GRCh38, chr14:58,270,411, plus strand): 5'-TTGGGTCTGTGAACTACTTCAATGTTTGGAGGTTACCAAAATCTTACCTTTCCCTTTTCT[A>G]TTCTAGAATTTACATAGTACATGACGAAGTTAAGGATAAAGCTTTTGAACTAGAACTCAG-3'